The following is an entry in ClinVar:

ClinVar aggregate classification (germline): Uncertain significance (1 of 4 stars; one submission).

Conditions:
Epilepsy, idiopathic generalized, susceptibility to, 17 (EIG17). Identifiers: MedGen C5561931, MONDO:0100519, OMIM 602477.

Submission:

Centre for Mendelian Genomics, University Medical Centre Ljubljana
Classification: Uncertain significance for Epilepsy, idiopathic generalized, susceptibility to, 17. Last evaluated: 2026-07-22. Review status: criteria provided, single submitter. Criteria: ACMG Guidelines, 2015. Collection method: clinical testing. Allele origin: germline. Affected: yes. Observed: 1 variant allele.
Comment: The c.1898T>G (p.Leu633Arg) variant in HCN2 has not previously been reported in association with human disease in the biomedical literature; however, the following lines of evidence favor its pathogenicity. The variant is absent from control populations in gnomAD [PM2]. In silico pathogenicity prediction algorithms uniformly predict the variant as pathogenic [PP3]. This is a missense change at an amino acid residue where a different missense change (p.Leu633Ala) has previously been determined to be pathogenic (PMID:31481514) [PM5]. The available evidence in the biomedical literature and databases is currently insufficient to assert whether the identified variant is pathogenic or a benign polymorphism. We therefore classify it as a variant of uncertain significance.

Literature cited by the submitters: PubMed 31481514.

NM_001194.4(HCN2):c.1898T>G (p.Leu633Arg)

Gene: HCN2 (hyperpolarization activated cyclic nucleotide gated potassium and sodium channel 2; plus strand). Cytogenetic location: 19p13.3.
Variant type: single nucleotide variant.
Coding change: c.1898T>G on transcript NM_001194.4 (MANE Select); coding-DNA position 1898, T replaced by G.
Protein change: p.Leu633Arg; replaces leucine 633 with arginine.
Molecular consequence: missense variant.
Genome position (GRCh38, 1-based): chr19:613,924, T>G. VCF-style: chr19-613924-T-G. GRCh37 (hg19) VCF-style: chr19-613924-T-G.
Other names: p.Leu633Arg; short protein forms L633R.
Identifiers: ClinVar variation 4871898 (VCV004871898.1).